The following is an entry in ClinVar:

ClinVar aggregate classification (germline): Uncertain significance (1 of 4 stars; one submission).

Allele frequency attached by ClinVar (database versions not stated): gnomAD 0.00001; TOPMed 0.00001.
gnomAD v4.1: 3 of 1,613,252 alleles (0.00019%); highest among the groups gnomAD compares: African/African-American, 0.0027%; no homozygotes.

Submission:

Labcorp Genetics (formerly Invitae), Labcorp
Classification: Uncertain significance. Last evaluated: 2025-02-25. Review status: criteria provided, single submitter. Criteria: Invitae Variant Classification Sherloc (09022015). Collection method: clinical testing. Allele origin: germline.
Comment: This sequence change replaces arginine, which is basic and polar, with histidine, which is basic and polar, at codon 316 of the MICU1 protein (p.Arg316His). This variant is not present in population databases (gnomAD no frequency). This variant has not been reported in the literature in individuals affected with MICU1-related conditions. ClinVar contains an entry for this variant (Variation ID: 2089989). Invitae Evidence Modeling of protein sequence and biophysical properties (such as structural, functional, and spatial information, amino acid conservation, physicochemical variation, residue mobility, and thermodynamic stability) indicates that this missense variant is not expected to disrupt MICU1 protein function with a negative predictive value of 80%. In summary, the available evidence is currently insufficient to determine the role of this variant in disease. Therefore, it has been classified as a Variant of Uncertain Significance.

NM_001195518.2(MICU1):c.941G>A (p.Arg314His)

Gene: MICU1 (mitochondrial calcium uptake 1; minus strand). Cytogenetic location: 10q22.1.
Variant type: single nucleotide variant.
Coding change: c.941G>A on transcript NM_001195518.2 (MANE Select); coding-DNA position 941, G replaced by A.
Protein change: p.Arg314His; replaces arginine 314 with histidine.
Molecular consequence: missense variant.
Genome position (GRCh38, 1-based): chr10:72,423,364, C>T on the plus strand (G>A on the coding strand, the complement: MICU1 is on the minus strand). VCF-style: chr10-72423364-C-T. GRCh37 (hg19) VCF-style: chr10-74183122-C-T.
Other names: c.347G>A, p.Arg116His (NM_001195519.2); c.959G>A, p.Arg320His (NM_001363513.2); c.947G>A, p.Arg316His (NM_006077.4); short protein forms R116H, R320H, R316H, R314H.
Identifiers: ClinVar variation 2089989 (VCV002089989.2), dbSNP rs1216877724, ClinGen allele CA377172313.
Genomic context (GRCh38, chr10:72,423,364, plus strand): 5'-TAGGCAAGTAGCATGCCACCAAACTGCCTCTCAGTAATTCTCCCATCCACAGGGTCATGG[C>T]GTTCAAACTGGGAGGGAAACAGAAAGAATGTTCCTAGGGTCAATGGAAAGTATTTTGACG-3'
Protein context (NP_001182447.1, residues 304-324): QHDVLKLEFE[Arg314His]HDPVDGRITE